The following is an entry in ClinVar:

ClinVar aggregate classification (germline): Uncertain significance (1 of 4 stars; one submission).

Conditions:
Inherited glutathione synthetase deficiency. Identifiers: Orphanet 32, MedGen C5979912, MONDO:0017909.

Allele frequency attached by ClinVar (database versions not stated): gnomAD exomes 0.00001; TOPMed 0.00001.
gnomAD v4.1: 16 of 1,611,946 alleles (0.00099%); highest among the groups gnomAD compares: Non-Finnish European, 0.0014%; no homozygotes.

Submission:

Labcorp Genetics (formerly Invitae), Labcorp
Classification: Uncertain significance for Glutathione synthetase deficiency with 5-oxoprolinuria. Last evaluated: 2022-06-15. Review status: criteria provided, single submitter. Criteria: Invitae Variant Classification Sherloc (09022015). Collection method: clinical testing. Allele origin: germline.
Comment: This sequence change replaces lysine, which is basic and polar, with glutamic acid, which is acidic and polar, at codon 186 of the GSS protein (p.Lys186Glu). This variant is present in population databases (no rsID available, gnomAD 0.01%). This variant has not been reported in the literature in individuals affected with GSS-related conditions. Algorithms developed to predict the effect of missense changes on protein structure and function output the following: SIFT: "Tolerated"; PolyPhen-2: "Benign"; Align-GVGD: "Class C0". The glutamic acid amino acid residue is found in multiple mammalian species, which suggests that this missense change does not adversely affect protein function. In summary, the available evidence is currently insufficient to determine the role of this variant in disease. Therefore, it has been classified as a Variant of Uncertain Significance.

NM_000178.4(GSS):c.556A>G (p.Lys186Glu)

Gene: GSS (glutathione synthetase; minus strand). Cytogenetic location: 20q11.22.
Variant type: single nucleotide variant.
Coding change: c.556A>G on transcript NM_000178.4 (MANE Select); coding-DNA position 556, A replaced by G.
Protein change: p.Lys186Glu; replaces lysine 186 with glutamic acid.
Molecular consequence: missense variant.
Genome position (GRCh38, 1-based): chr20:34,941,765, T>C on the plus strand (A>G on the coding strand, the complement: GSS is on the minus strand). VCF-style: chr20-34941765-T-C. GRCh37 (hg19) VCF-style: chr20-33529568-T-C.
Other names: c.556A>G, p.Lys186Glu (NM_001322494.1, NM_001322495.1); short protein forms K186E.
Identifiers: ClinVar variation 2159998 (VCV002159998.1), dbSNP rs568346076, ClinGen allele CA313483838.